The following is an entry in ClinVar:

ClinVar aggregate classification (germline): Uncertain significance (1 of 4 stars; one submission).

Submission:

Labcorp Genetics (formerly Invitae), Labcorp
Classification: Uncertain significance. Last evaluated: 2022-08-13. Review status: criteria provided, single submitter. Criteria: Invitae Variant Classification Sherloc (09022015). Collection method: clinical testing. Allele origin: germline.
Comment: This sequence change replaces proline, which is neutral and non-polar, with serine, which is neutral and polar, at codon 287 of the PCDH15 protein (p.Pro287Ser). This variant is not present in population databases (gnomAD no frequency). This variant has not been reported in the literature in individuals affected with PCDH15-related conditions. Algorithms developed to predict the effect of missense changes on protein structure and function are either unavailable or do not agree on the potential impact of this missense change (SIFT: "Tolerated"; PolyPhen-2: "Probably Damaging"; Align-GVGD: "Class C0"). In summary, the available evidence is currently insufficient to determine the role of this variant in disease. Therefore, it has been classified as a Variant of Uncertain Significance.

NM_001384140.1(PCDH15):c.859C>T (p.Pro287Ser)

Gene: PCDH15 (protocadherin related 15; minus strand). Cytogenetic location: 10q21.1.
Variant type: single nucleotide variant.
Coding change: c.859C>T on transcript NM_001384140.1 (MANE Select); coding-DNA position 859, C replaced by T.
Protein change: p.Pro287Ser; replaces proline 287 with serine.
Molecular consequence: missense variant.
Genome position (GRCh38, 1-based): chr10:54,317,288, G>A on the plus strand (C>T on the coding strand, the complement: PCDH15 is on the minus strand). VCF-style: chr10-54317288-G-A. GRCh37 (hg19) VCF-style: chr10-56077048-G-A.
Other names: c.874C>T, p.Pro292Ser (NM_001142763.2, NM_001142769.4, NM_001142771.2); c.859C>T, p.Pro287Ser (NM_001142764.2, NM_001142765.2, NM_001142766.2 and 7 more transcripts); c.748C>T, p.Pro250Ser (NM_001142767.2); c.793C>T, p.Pro265Ser (NM_001142768.2, NM_001142773.2, NM_001354404.2); short protein forms P292S, P287S, P250S, P265S.
Identifiers: ClinVar variation 1948626 (VCV001948626.5), dbSNP rs2133647918, ClinGen allele CA376540791.